The following is an entry in ClinVar:

NM_001005361.3(DNM2):c.993-14C>T

Gene: DNM2 (dynamin 2; plus strand). Cytogenetic location: 19p13.2.
Variant type: single nucleotide variant.
Coding change: c.993-14C>T on transcript NM_001005361.3 (MANE Select); 14 bases into the intron before coding-DNA position 993, C replaced by T.
Molecular consequence: intron variant.
Genome position (GRCh38, 1-based): chr19:10,793,706, C>T. VCF-style: chr19-10793706-C-T. GRCh37 (hg19) VCF-style: chr19-10904382-C-T.
Other names: c.993-14C>T (NM_001005360.3, NM_001190716.2, NM_004945.4 and 1 more transcripts).
Identifiers: ClinVar variation 386173 (VCV000386173.8), dbSNP rs761380478, ClinGen allele CA9200965.

ClinVar aggregate classification (germline): Likely benign. Review status: criteria provided, multiple submitters, no conflicts (2 of 4 stars). 2 submissions from 2 submitters: Likely benign (2). Last evaluated 2025-12-08.

Conditions:
Charcot-Marie-Tooth disease dominant intermediate B (CMTDIB). Also called: CHARCOT-MARIE-TOOTH NEUROPATHY, DOMINANT INTERMEDIATE B; Charcot-Marie-Tooth disease dominant intermediate 1; CMT DI1; Charcot-Marie-Tooth disease dominant intermediate I. Identifiers: Orphanet 100044, Orphanet 228179, MedGen C1847902, MONDO:0011674, OMIM 606482.

Allele frequency attached by ClinVar (database versions not stated): gnomAD 0.00003 and 0.00004; ExAC 0.00007; TOPMed 0.00008; gnomAD exomes 0.00010.
gnomAD v4.1: 41 of 1,614,002 alleles (0.0025%); highest among the groups gnomAD compares: Admixed American, 0.043%; no homozygotes.

Submissions (2):

Labcorp Genetics (formerly Invitae), Labcorp
Classification: Likely benign for Charcot-Marie-Tooth disease dominant intermediate B. Last evaluated: 2025-12-08. Review status: criteria provided, single submitter. Criteria: Invitae Variant Classification Sherloc (09022015). Collection method: clinical testing. Allele origin: germline.

GeneDx
Classification: Likely benign. Last evaluated: 2017-01-19. Review status: criteria provided, single submitter. Criteria: GeneDx Variant Classification (06012015). Collection method: clinical testing. Allele origin: germline. Affected: yes.
Comment: This variant is considered likely benign or benign based on one or more of the following criteria: it is a conservative change, it occurs at a poorly conserved position in the protein, it is predicted to be benign by multiple in silico algorithms, and/or has population frequency not consistent with disease.